The following is an entry in ClinVar:

NM_000051.4(ATM):c.4397G>T (p.Arg1466Leu)

Gene: ATM (ATM serine/threonine kinase; plus strand). Cytogenetic location: 11q22.3.
Variant type: single nucleotide variant.
Coding change: c.4397G>T on transcript NM_000051.4 (MANE Select); coding-DNA position 4397, G replaced by T.
Protein change: p.Arg1466Leu; replaces arginine 1466 with leucine.
Molecular consequence: missense variant.
Genome position (GRCh38, 1-based): chr11:108,289,762, G>T. VCF-style: chr11-108289762-G-T. GRCh37 (hg19) VCF-style: chr11-108160489-G-T.
Other names: c.4397G>T, p.Arg1466Leu (NM_001351834.2); short protein forms R1466L.
Identifiers: ClinVar variation 2755538 (VCV002755538.3), dbSNP rs749770110, ClinGen allele CA382532203.

ClinVar aggregate classification (germline): Uncertain significance (1 of 4 stars; one submission).

Conditions:
Ataxia-telangiectasia syndrome (AT). Also called: LOUIS-BAR SYNDROME; AT, COMPLEMENTATION GROUP C; ATAXIA-TELANGIECTASIA, COMPLEMENTATION GROUP A; ATAXIA-TELANGIECTASIA, FRESNO VARIANT; Ataxia-telangiectasia; Cerebello-oculocutaneous telangiectasia. Identifiers: Orphanet 100, MedGen C0004135, MONDO:0008840, OMIM 208900.

gnomAD v4.1: 2 of 1,613,390 alleles (0.00012%); highest among the groups gnomAD compares: Admixed American, 0.0017%; no homozygotes.

Submission:

Labcorp Genetics (formerly Invitae), Labcorp
Classification: Uncertain significance for Ataxia-telangiectasia syndrome. Last evaluated: 2024-08-29. Review status: criteria provided, single submitter. Criteria: Invitae Variant Classification Sherloc (09022015). Collection method: clinical testing. Allele origin: germline.
Comment: This sequence change replaces arginine, which is basic and polar, with leucine, which is neutral and non-polar, at codon 1466 of the ATM protein (p.Arg1466Leu). The frequency data for this variant in the population databases is considered unreliable, as metrics indicate poor data quality at this position in the gnomAD database. This variant has not been reported in the literature in individuals affected with ATM-related conditions. An algorithm developed to predict the effect of missense changes on protein structure and function (PolyPhen-2) suggests that this variant is likely to be disruptive. In summary, the available evidence is currently insufficient to determine the role of this variant in disease. Therefore, it has been classified as a Variant of Uncertain Significance.